The following is an entry in ClinVar:

NM_001099922.3(ALG13):c.1225G>C (p.Asp409His)

Gene: ALG13 (ALG13 UDP-N-acetylglucosaminyltransferase subunit; plus strand). Cytogenetic location: Xq23.
Variant type: single nucleotide variant.
Coding change: c.1225G>C on transcript NM_001099922.3 (MANE Select); coding-DNA position 1225, G replaced by C.
Protein change: p.Asp409His; replaces aspartic acid 409 with histidine.
Molecular consequence: missense variant. On other transcripts: non-coding transcript variant (1).
Genome position (GRCh38, 1-based): chrX:111,718,249, G>C. VCF-style: chrX-111718249-G-C. GRCh37 (hg19) VCF-style: chrX-110961477-G-C.
Other names: c.913G>C, p.Asp305His (NM_001257230.2, NM_001257234.2, NM_001257237.2 and 1 more transcripts); c.991G>C, p.Asp331His (NM_001257231.2); c.1225G>C, p.Asp409His (NM_001324292.2); short protein forms D305H, D331H, D409H.
Identifiers: ClinVar variation 1490112 (VCV001490112.6), dbSNP rs940730126, ClinGen allele CA414251153.

ClinVar aggregate classification (germline): Uncertain significance (1 of 4 stars; one submission).

Conditions:
Developmental and epileptic encephalopathy, 36 (DEE36). Also called: Epileptic encephalopathy, early infantile, 36; ALG13-CDG; Congenital disorder of glycosylation, type Is. Identifiers: Orphanet 324422, MedGen C4317295, MONDO:0010472, OMIM 300884.

Submission:

Labcorp Genetics (formerly Invitae), Labcorp
Classification: Uncertain significance for Developmental and epileptic encephalopathy, 36. Last evaluated: 2021-10-27. Review status: criteria provided, single submitter. Criteria: Invitae Variant Classification Sherloc (09022015). Collection method: clinical testing. Allele origin: germline.
Comment: This sequence change replaces aspartic acid, a(n) acidic and polar amino acid, with histidine, a(n) basic and polar amino acid, at codon 409 of the ALG13 protein (p.Asp409His). This variant is not present in population databases (gnomAD no frequency). This variant has not been reported in the literature in individuals affected with ALG13-related conditions. Algorithms developed to predict the effect of missense changes on protein structure and function are either unavailable or do not agree on the potential impact of this missense change (SIFT: "Tolerated"; PolyPhen-2: "Possibly Damaging"; Align-GVGD: "Class C0"). In summary, the available evidence is currently insufficient to determine the role of this variant in disease. Therefore, it has been classified as a Variant of Uncertain Significance.